The following is an entry in ClinVar:

NM_000059.4(BRCA2):c.4654G>A (p.Gly1552Ser)

Gene: BRCA2 (BRCA2 DNA repair associated; plus strand). Cytogenetic location: 13q13.1.
Variant type: single nucleotide variant.
Coding change: c.4654G>A on transcript NM_000059.4 (MANE Select); coding-DNA position 4654, G replaced by A.
Protein change: p.Gly1552Ser; replaces glycine 1552 with serine.
Molecular consequence: missense variant.
Genome position (GRCh38, 1-based): chr13:32,339,009, G>A. VCF-style: chr13-32339009-G-A. GRCh37 (hg19) VCF-style: chr13-32913146-G-A.
Other names: short protein forms G1552S.
Identifiers: ClinVar variation 567121 (VCV000567121.10), dbSNP rs1566230890, ClinGen allele CA387782211.

ClinVar aggregate classification (germline): Conflicting classifications of pathogenicity. Review status: criteria provided, conflicting classifications (1 of 4 stars). 2 submissions from 2 submitters: Uncertain significance (1); Likely benign (1). Last evaluated 2023-03-23.

Conditions:
Hereditary cancer-predisposing syndrome. Also called: Neoplastic Syndromes, Hereditary; Tumor predisposition; Hereditary neoplastic syndrome; Hereditary Cancer Syndrome. Identifiers: Orphanet 140162, MedGen C0027672, MeSH D009386, MONDO:0015356.
Hereditary breast ovarian cancer syndrome. Also called: Hereditary breast and ovarian cancer syndrome (HBOC); Hereditary breast and ovarian cancer; Hereditary breast and/or ovarian cancer syndrome; Hereditary breast and ovarian cancer syndrome; Breast and ovarian cancer; BRCA1- and BRCA2-Associated Hereditary Breast and Ovarian Cancer. Identifiers: Orphanet 145, MedGen C0677776, MeSH D061325, MONDO:0003582. Disease mechanism: loss of function.

Submissions (2):

University of Washington Department of Laboratory Medicine, University of Washington
Classification: Likely benign for Hereditary cancer-predisposing syndrome. Last evaluated: 2023-03-23. Review status: criteria provided, single submitter. Criteria: Dines et al. (Genet Med. 2020). Collection method: curation. Allele origin: germline.
Comment: Missense variant in a coldspot region where missense variants are very unlikely to be pathogenic (PMID:31911673).

BRCA2 exon 11 coldspot. Reclassification based on statistical prior probability.

Labcorp Genetics (formerly Invitae), Labcorp
Classification: Uncertain significance for Hereditary breast ovarian cancer syndrome. Last evaluated: 2022-11-02. Review status: criteria provided, single submitter. Criteria: Invitae Variant Classification Sherloc (09022015). Collection method: clinical testing. Allele origin: germline.
Comment: In summary, the available evidence is currently insufficient to determine the role of this variant in disease. Therefore, it has been classified as a Variant of Uncertain Significance. Advanced modeling of protein sequence and biophysical properties (such as structural, functional, and spatial information, amino acid conservation, physicochemical variation, residue mobility, and thermodynamic stability) performed at Invitae indicates that this missense variant is not expected to disrupt BRCA2 protein function. ClinVar contains an entry for this variant (Variation ID: 567121). This variant has not been reported in the literature in individuals affected with BRCA2-related conditions. This variant is not present in population databases (gnomAD no frequency). This sequence change replaces glycine, which is neutral and non-polar, with serine, which is neutral and polar, at codon 1552 of the BRCA2 protein (p.Gly1552Ser).